The following is an entry in ClinVar:

ClinVar aggregate classification (germline): Likely benign (0 of 4 stars; one submission).

Conditions:
PLXNA4-related disorder. Also called: PLXNA4-related condition.

Submission:

PreventionGenetics, part of Exact Sciences
Classification: Likely benign for PLXNA4-related condition. Last evaluated: 2022-09-07. Review status: no assertion criteria provided. Collection method: clinical testing. Allele origin: germline.
Comment: This variant is classified as likely benign based on ACMG/AMP sequence variant interpretation guidelines (Richards et al. 2015 PMID: 25741868, with internal and published modifications).

NM_020911.2(PLXNA4):c.4113G>A (p.Thr1371=)

Gene: PLXNA4 (plexin A4; minus strand). Cytogenetic location: 7q32.3.
Variant type: single nucleotide variant.
Coding change: c.4113G>A on transcript NM_020911.2 (MANE Select); coding-DNA position 4113, G replaced by A.
Protein change: p.Thr1371=; no amino-acid change (threonine 1371 retained).
Molecular consequence: synonymous variant.
Genome position (GRCh38, 1-based): chr7:132,168,477, C>T on the plus strand (G>A on the coding strand, the complement: PLXNA4 is on the minus strand). VCF-style: chr7-132168477-C-T. GRCh37 (hg19) VCF-style: chr7-131853236-C-T.
Other names: c.4113G>A, p.Thr1371= (NM_001393897.1).
Identifiers: ClinVar variation 3350664 (VCV003350664.1).
Genomic context (GRCh38, chr7:132,168,477, plus strand): 5'-CATGATGAGTGAGGCCACGTTGCCACGGTCGCGCATGGAGAAGCTACGCTGGGACTCAAG[C>T]GTGCGGATGAAGGACAGCAGGAACACCTTGTTGTTGATGAGCTGGGCGAAGAGCTTCAGG-3'
Protein context (NP_065962.1, residues 1361-1381): NKVFLLSFIR[Thr1371=]LESQRSFSMR